The following is an entry in ClinVar:

ClinVar aggregate classification (germline): Uncertain significance. Review status: criteria provided, multiple submitters, no conflicts (2 of 4 stars). 5 submissions from 5 submitters: Uncertain significance (4). 1 of the submissions does not count toward it. Last evaluated 2026-03-14.

Conditions:
BBS12-related disorder. Also called: BBS12-related condition.
Inborn genetic diseases. Identifiers: MedGen C0950123, MeSH D030342.
Bardet-Biedl syndrome (BBS). Identifiers: Orphanet 110, MedGen C0752166, MONDO:0015229.
Bardet-Biedl syndrome 12 (BBS12). Identifiers: Orphanet 110, MedGen C1859570, MONDO:0014440, OMIM 615989.

Allele frequency attached by ClinVar (database versions not stated): TOPMed 0.00002.
gnomAD v4.1: 7 of 1,614,044 alleles (0.00043%); highest among the groups gnomAD compares: East Asian, 0.0045%; no homozygotes.

Submissions (5):

PreventionGenetics, part of Exact Sciences
Classification: Uncertain significance for BBS12-related condition. Last evaluated: 2026-03-14. Review status: criteria provided, single submitter. Criteria: ACMG Guidelines, 2015. Collection method: clinical testing. Allele origin: germline.
Comment: The BBS12 c.745C>G variant is predicted to result in the amino acid substitution p.Pro249Ala. To our knowledge, this variant has not been reported in the literature. This variant is reported in 0.0054% of alleles in individuals of East Asian descent in gnomAD. At this time, the clinical significance of this variant is uncertain due to the absence of conclusive functional and genetic evidence.

Ambry Genetics
Classification: Uncertain significance for Inborn genetic diseases. Last evaluated: 2025-04-20. Review status: criteria provided, single submitter. Criteria: Ambry Variant Classification Scheme 2023. Collection method: clinical testing. Allele origin: germline.

Fulgent Genetics
Classification: Uncertain significance for Bardet-Biedl syndrome 12. Last evaluated: 2024-01-03. Review status: criteria provided, single submitter. Criteria: ACMG Guidelines, 2015. Collection method: clinical testing. Allele origin: germline.

Labcorp Genetics (formerly Invitae), Labcorp
Classification: Uncertain significance for Bardet-Biedl syndrome. Last evaluated: 2022-07-11. Review status: criteria provided, single submitter. Criteria: Invitae Variant Classification Sherloc (09022015). Collection method: clinical testing. Allele origin: germline.
Comment: This sequence change replaces proline, which is neutral and non-polar, with alanine, which is neutral and non-polar, at codon 249 of the BBS12 protein (p.Pro249Ala). This variant is present in population databases (no rsID available, gnomAD 0.006%). This variant has not been reported in the literature in individuals affected with BBS12-related conditions. ClinVar contains an entry for this variant (Variation ID: 864402). Algorithms developed to predict the effect of missense changes on protein structure and function output the following: SIFT: "Tolerated"; PolyPhen-2: "Benign"; Align-GVGD: "Class C0". The alanine amino acid residue is found in multiple mammalian species, which suggests that this missense change does not adversely affect protein function. In summary, the available evidence is currently insufficient to determine the role of this variant in disease. Therefore, it has been classified as a Variant of Uncertain Significance.

Natera, Inc.
Classification: Uncertain significance for Bardet-Biedl syndrome type 12. Last evaluated: 2021-01-14. Review status: no assertion criteria provided. Collection method: clinical testing. Allele origin: germline. Not counted in ClinVar's aggregate classification.

NM_152618.3(BBS12):c.745C>G (p.Pro249Ala)

Gene: BBS12 (Bardet-Biedl syndrome 12; plus strand). Cytogenetic location: 4q27.
Variant type: single nucleotide variant.
Coding change: c.745C>G on transcript NM_152618.3 (MANE Select); coding-DNA position 745, C replaced by G.
Protein change: p.Pro249Ala; replaces proline 249 with alanine.
Molecular consequence: missense variant.
Genome position (GRCh38, 1-based): chr4:122,742,637, C>G. VCF-style: chr4-122742637-C-G. GRCh37 (hg19) VCF-style: chr4-123663792-C-G.
Other names: c.745C>G, p.Pro249Ala (NM_001178007.2); short protein forms P249A.
Identifiers: ClinVar variation 864402 (VCV000864402.7), dbSNP rs758191621, ClinGen allele CA358223601.